The following is an entry in ClinVar:

NM_004655.4(AXIN2):c.2437G>A (p.Ala813Thr)

Gene: AXIN2 (axin 2; minus strand). Cytogenetic location: 17q24.1.
Variant type: single nucleotide variant.
Coding change: c.2437G>A on transcript NM_004655.4 (MANE Select); coding-DNA position 2437, G replaced by A.
Protein change: p.Ala813Thr; replaces alanine 813 with threonine.
Molecular consequence: missense variant.
Genome position (GRCh38, 1-based): chr17:65,530,071, C>T on the plus strand (G>A on the coding strand, the complement: AXIN2 is on the minus strand). VCF-style: chr17-65530071-C-T. GRCh37 (hg19) VCF-style: chr17-63526189-C-T.
Other names: c.2242G>A, p.Ala748Thr (NM_001363813.1); short protein forms A748T, A813T.
Identifiers: ClinVar variation 837820 (VCV000837820.12), dbSNP rs372420075, ClinGen allele CA293090866.

ClinVar aggregate classification (germline): Uncertain significance. Review status: criteria provided, multiple submitters, no conflicts (2 of 4 stars). 3 submissions from 3 submitters: Uncertain significance (3). Last evaluated 2025-12-13.

Conditions:
Oligodontia-cancer predisposition syndrome. Also called: TOOTH AGENESIS-COLORECTAL CANCER SYNDROME. Identifiers: Orphanet 300576, MedGen C1837750, MONDO:0012075, OMIM 608615. Disease mechanism: loss of function.
Colorectal cancer. Also called: Malignant Colorectal Neoplasm; Colorectal cancer, somatic. Identifiers: MedGen C0346629, MONDO:0005575, OMIM 114500.
Hereditary cancer-predisposing syndrome. Also called: Neoplastic Syndromes, Hereditary; Tumor predisposition; Hereditary neoplastic syndrome; Hereditary Cancer Syndrome. Identifiers: Orphanet 140162, MedGen C0027672, MeSH D009386, MONDO:0015356.

Allele frequency attached by ClinVar (database versions not stated): TOPMed below 0.00001; ESP Exome Variant Server 0.00008.

Submissions (3):

Labcorp Genetics (formerly Invitae), Labcorp
Classification: Uncertain significance for Oligodontia-cancer predisposition syndrome. Last evaluated: 2025-12-13. Review status: criteria provided, single submitter. Criteria: Invitae Variant Classification Sherloc (09022015). Collection method: clinical testing. Allele origin: germline.
Comment: This sequence change replaces alanine, which is neutral and non-polar, with threonine, which is neutral and polar, at codon 813 of the AXIN2 protein (p.Ala813Thr). This variant is not present in population databases (gnomAD no frequency). This variant has not been reported in the literature in individuals affected with AXIN2-related conditions. ClinVar contains an entry for this variant (Variation ID: 837820). Invitae Evidence Modeling of protein sequence and biophysical properties (such as structural, functional, and spatial information, amino acid conservation, physicochemical variation, residue mobility, and thermodynamic stability) indicates that this missense variant is not expected to disrupt AXIN2 protein function with a negative predictive value of 80%. In summary, the available evidence is currently insufficient to determine the role of this variant in disease. Therefore, it has been classified as a Variant of Uncertain Significance.

Ambry Genetics
Classification: Uncertain significance for Hereditary cancer-predisposing syndrome. Last evaluated: 2023-09-11. Review status: criteria provided, single submitter. Criteria: Ambry Variant Classification Scheme 2023. Collection method: clinical testing. Allele origin: germline.
Comment: The p.A813T variant (also known as c.2437G>A), located in coding exon 10 of the AXIN2 gene, results from a G to A substitution at nucleotide position 2437. The alanine at codon 813 is replaced by threonine, an amino acid with similar properties. This amino acid position is conserved. In addition, this alteration is predicted to be tolerated by in silico analysis. Since supporting evidence is limited at this time, the clinical significance of this alteration remains unclear.

Baylor Genetics
Classification: Uncertain significance for Colorectal cancer. Last evaluated: 2023-08-15. Review status: criteria provided, single submitter. Criteria: ACMG Guidelines, 2015. Collection method: clinical testing. Allele origin: unknown.